The following is an entry in ClinVar:

NM_015488.5(PNKD):c.184T>C (p.Tyr62His)

Gene: PNKD (PNKD metallo-beta-lactamase domain containing; plus strand). Cytogenetic location: 2q35.
Variant type: single nucleotide variant.
Coding change: c.184T>C on transcript NM_015488.5 (MANE Select); coding-DNA position 184, T replaced by C.
Protein change: p.Tyr62His; replaces tyrosine 62 with histidine.
Molecular consequence: missense variant.
Genome position (GRCh38, 1-based): chr2:218,271,497, T>C. VCF-style: chr2-218271497-T-C. GRCh37 (hg19) VCF-style: chr2-219136220-T-C.
Other names: c.184T>C, p.Tyr62His (NM_001077399.3); short protein forms Y62H.
Identifiers: ClinVar variation 4742236 (VCV004742236.1).

ClinVar aggregate classification (germline): Uncertain significance (1 of 4 stars; one submission).

Conditions:
Paroxysmal nonkinesigenic dyskinesia. Also called: Paroxysmal non-kinesigenic dyskinesia. Identifiers: Orphanet 98810, MedGen C1869117, MONDO:0700088.

gnomAD v4.1: 16 of 1,614,172 alleles (0.00099%); highest among the groups gnomAD compares: South Asian, 0.018%; no homozygotes.

Submission:

Labcorp Genetics (formerly Invitae), Labcorp
Classification: Uncertain significance for Paroxysmal nonkinesigenic dyskinesia. Last evaluated: 2025-07-13. Review status: criteria provided, single submitter. Criteria: Invitae Variant Classification Sherloc (09022015). Collection method: clinical testing. Allele origin: germline.
Comment: This sequence change replaces tyrosine, which is neutral and polar, with histidine, which is basic and polar, at codon 62 of the PNKD protein (p.Tyr62His). This variant is present in population databases (rs772142996, gnomAD 0.02%). This variant has not been reported in the literature in individuals affected with PNKD-related conditions. An algorithm developed to predict the effect of missense changes on protein structure and function (PolyPhen-2) suggests that this variant is likely to be tolerated. In summary, the available evidence is currently insufficient to determine the role of this variant in disease. Therefore, it has been classified as a Variant of Uncertain Significance.